The following is an entry in ClinVar:

ClinVar aggregate classification (germline): Uncertain significance. Review status: criteria provided, multiple submitters, no conflicts (2 of 4 stars). 2 submissions from 2 submitters: Uncertain significance (2). Last evaluated 2024-10-30.

Conditions:
Bartter disease type 3. Also called: Bartter syndrome type 3. Identifiers: Orphanet 112, Orphanet 93605, MedGen C1846343, MONDO:0011822, OMIM 607364.

Submissions (2):

Blueprint Genetics
Classification: Uncertain significance. Last evaluated: 2024-10-30. Review status: criteria provided, single submitter. Criteria: ACMG Guidelines, 2015. Collection method: clinical testing. Allele origin: germline.

3billion
Classification: Uncertain significance for Bartter disease type 3. Last evaluated: 2022-01-03. Review status: criteria provided, single submitter. Criteria: ACMG Guidelines, 2015. Collection method: clinical testing. Allele origin: germline. Affected: yes. Observed: 1 homozygote.
Comment: The variant is not observed in the gnomAD v2.1.1 dataset (PM2_M). In silico tool predictions suggest damaging effect of the variant on gene or gene product (REVEL: 0.85, PP3_P). Therefore, this variant is classified as uncertain significance according to the recommendation of ACMG/AMP guideline.

NM_000085.5(CLCNKB):c.652A>C (p.Ser218Arg)

Genes: CLCNKB (chloride voltage-gated channel Kb; plus strand), LOC106501713 (CLCNKB recombination region; plus strand). Cytogenetic location: 1p36.13.
Variant type: single nucleotide variant.
Coding change: c.652A>C on transcript NM_000085.5 (MANE Select); coding-DNA position 652, A replaced by C.
Protein change: p.Ser218Arg; replaces serine 218 with arginine.
Molecular consequence: missense variant.
Genome position (GRCh38, 1-based): chr1:16,048,579, A>C. VCF-style: chr1-16048579-A-C. GRCh37 (hg19) VCF-style: chr1-16375074-A-C.
Other names: short protein forms S218R.
Identifiers: ClinVar variation 1333648 (VCV001333648.2), dbSNP rs2124091421, ClinGen allele CA338635567.
Genomic context (GRCh38, chr1:16,048,579, plus strand): 5'-AACGAAATGCTGGTGGCAGCGGCGGCAGTGGGCGTGGCCACAGTCTTTGCAGCTCCCTTC[A>C]GCGGTGAGACCCCTTCATGCCCCGCCCCCTGGGTCCCTCAAGCTCCTCCCCTCACACCCT-3'
Protein context (NP_000076.2, residues 208-228): GVATVFAAPF[Ser218Arg]GVLFSIEVMS